The following is an entry in ClinVar:

NM_001111125.3(IQSEC2):c.3840A>C (p.Pro1280=)

Gene: IQSEC2 (IQ motif and Sec7 domain ArfGEF 2; minus strand). Cytogenetic location: Xp11.22.
Variant type: single nucleotide variant.
Coding change: c.3840A>C on transcript NM_001111125.3 (MANE Select); coding-DNA position 3840, A replaced by C.
Protein change: p.Pro1280=; no amino-acid change (proline 1280 retained).
Molecular consequence: synonymous variant. On other transcripts: 3 prime UTR variant (2).
Genome position (GRCh38, 1-based): chrX:53,234,846, T>G on the plus strand (A>C on the coding strand, the complement: IQSEC2 is on the minus strand). VCF-style: chrX-53234846-T-G. GRCh37 (hg19) VCF-style: chrX-53264028-T-G.
Other names: c.*325A>C (NM_001410736.1, NM_015075.2).
Identifiers: ClinVar variation 1735432 (VCV001735432.26), dbSNP rs1166449310, ClinGen allele CA516673735.

ClinVar aggregate classification (germline): Likely benign. Review status: criteria provided, multiple submitters, no conflicts (2 of 4 stars). 2 submissions from 2 submitters: Likely benign (2). Last evaluated 2024-05-01.

Conditions:
Inborn genetic diseases. Identifiers: MedGen C0950123, MeSH D030342.

Submissions (2):

CeGaT Center for Human Genetics Tuebingen
Classification: Likely benign. Last evaluated: 2024-05-01. Review status: criteria provided, single submitter. Criteria: CeGaT Center For Human Genetics Tuebingen Variant Classification Criteria Version 2. Collection method: clinical testing. Allele origin: germline. Affected: yes. Observed: 2 variant alleles.
Comment: IQSEC2: BP4, BP7

Ambry Genetics
Classification: Likely benign for Inborn genetic diseases. Last evaluated: 2019-06-09. Review status: criteria provided, single submitter. Criteria: Ambry Variant Classification Scheme 2023. Collection method: clinical testing. Allele origin: germline.